The following is an entry in ClinVar:

ClinVar aggregate classification (germline): Likely benign (0 of 4 stars; one submission).

Conditions:
TRIO-related disorder. Also called: TRIO-related disorders; TRIO-related condition.

Allele frequency attached by ClinVar (database versions not stated): ExAC 0.00001; gnomAD exomes 0.00001; gnomAD 0.00002; TOPMed 0.00002.
gnomAD v4.1: 23 of 1,613,930 alleles (0.0014%); highest among the groups gnomAD compares: African/African-American, 0.0053%; no homozygotes.

Submission:

PreventionGenetics, part of Exact Sciences
Classification: Likely benign for TRIO-related condition. Last evaluated: 2024-01-08. Review status: no assertion criteria provided. Collection method: clinical testing. Allele origin: germline.
Comment: This variant is classified as likely benign based on ACMG/AMP sequence variant interpretation guidelines (Richards et al. 2015 PMID: 25741868, with internal and published modifications).

NM_007118.4(TRIO):c.630C>T (p.His210=)

Gene: TRIO (trio Rho guanine nucleotide exchange factor; plus strand). Cytogenetic location: 5p15.2.
Variant type: single nucleotide variant.
Coding change: c.630C>T on transcript NM_007118.4 (MANE Select); coding-DNA position 630, C replaced by T.
Protein change: p.His210=; no amino-acid change (histidine 210 retained).
Molecular consequence: synonymous variant. On other transcripts: non-coding transcript variant (1).
Genome position (GRCh38, 1-based): chr5:14,290,805, C>T. VCF-style: chr5-14290805-C-T. GRCh37 (hg19) VCF-style: chr5-14290914-C-T.
Identifiers: ClinVar variation 3036809 (VCV003036809.2), dbSNP rs767420232, ClinGen allele CA3205466.